The following is an entry in ClinVar:

ClinVar aggregate classification (germline): Uncertain significance. Review status: criteria provided, multiple submitters, no conflicts (2 of 4 stars). 2 submissions from 2 submitters: Uncertain significance (2). Last evaluated 2025-02-04.

Conditions:
Hereditary cancer-predisposing syndrome. Also called: Hereditary neoplastic syndrome; Neoplastic Syndromes, Hereditary; Tumor predisposition; Hereditary Cancer Syndrome. Identifiers: Orphanet 140162, MedGen C0027672, MeSH D009386, MONDO:0015356.
Fanconi anemia complementation group J. Also called: BRIP1-Related Fanconi Anemia. Identifiers: Orphanet 84, MedGen C1836860, MONDO:0012187, OMIM 609054.
Familial cancer of breast. Also called: BREAST CANCER, FAMILIAL; hereditary breast carcinoma; Hereditary breast cancer. Identifiers: Orphanet 227535, MedGen C0346153, MONDO:0016419, OMIM 114480. Disease mechanism: loss of function.

Submissions (2):

Ambry Genetics
Classification: Uncertain significance for Hereditary cancer-predisposing syndrome. Last evaluated: 2025-02-04. Review status: criteria provided, single submitter. Criteria: Ambry Variant Classification Scheme 2023. Collection method: clinical testing. Allele origin: germline.
Comment: The p.P18S variant (also known as c.52C>T), located in coding exon 1 of the BRIP1 gene, results from a C to T substitution at nucleotide position 52. The proline at codon 18 is replaced by serine, an amino acid with similar properties. This variant was not reported in population based cohorts in the following databases: Database of Single Nucleotide Polymorphisms (dbSNP), NHLBI Exome Sequencing Project (ESP), and 1000 Genomes Project. In the ESP, this variant was not observed in 6503 samples (13006 alleles) with coverage at this position. To date, this alteration has been detected with an allele frequency of approximately 0.001% (greater than 175000 alleles tested) in our clinical cohort. This amino acid position is highly conserved in available vertebrate species. In addition, this alteration is predicted to be deleterious by in silico analysis. Since supporting evidence is limited at this time, the clinical significance of this alteration remains unclear.

Labcorp Genetics (formerly Invitae), Labcorp
Classification: Uncertain significance for Familial cancer of breast; Fanconi anemia complementation group J. Last evaluated: 2024-04-24. Review status: criteria provided, single submitter. Criteria: Invitae Variant Classification Sherloc (09022015). Collection method: clinical testing. Allele origin: germline.
Comment: This sequence change replaces proline, which is neutral and non-polar, with serine, which is neutral and polar, at codon 18 of the BRIP1 protein (p.Pro18Ser). This variant is not present in population databases (gnomAD no frequency). This variant has not been reported in the literature in individuals affected with BRIP1-related conditions. ClinVar contains an entry for this variant (Variation ID: 461172). Advanced modeling of protein sequence and biophysical properties (such as structural, functional, and spatial information, amino acid conservation, physicochemical variation, residue mobility, and thermodynamic stability) performed at Invitae indicates that this missense variant is expected to disrupt BRIP1 protein function with a positive predictive value of 80%. In summary, the available evidence is currently insufficient to determine the role of this variant in disease. Therefore, it has been classified as a Variant of Uncertain Significance.

NM_032043.3(BRIP1):c.52C>T (p.Pro18Ser)

Gene: BRIP1 (BRCA1 interacting DNA helicase 1; minus strand). Cytogenetic location: 17q23.2.
Variant type: single nucleotide variant.
Coding change: c.52C>T on transcript NM_032043.3 (MANE Select); coding-DNA position 52, C replaced by T.
Protein change: p.Pro18Ser; replaces proline 18 with serine.
Molecular consequence: missense variant.
Genome position (GRCh38, 1-based): chr17:61,861,488, G>A on the plus strand (C>T on the coding strand, the complement: BRIP1 is on the minus strand). VCF-style: chr17-61861488-G-A. GRCh37 (hg19) VCF-style: chr17-59938849-G-A.
Other names: short protein forms P18S.
Identifiers: ClinVar variation 461172 (VCV000461172.15), dbSNP rs1555618724, ClinGen allele CA400485986.